The following is an entry in ClinVar:

NM_032040.5(CCDC8):c.939A>T (p.Glu313Asp)

Gene: CCDC8 (coiled-coil domain containing 8 subunit of 3M complex; minus strand). Cytogenetic location: 19q13.32.
Variant type: single nucleotide variant.
Coding change: c.939A>T on transcript NM_032040.5 (MANE Select); coding-DNA position 939, A replaced by T.
Protein change: p.Glu313Asp; replaces glutamic acid 313 with aspartic acid.
Molecular consequence: missense variant.
Genome position (GRCh38, 1-based): chr19:46,411,872, T>A on the plus strand (A>T on the coding strand, the complement: CCDC8 is on the minus strand). VCF-style: chr19-46411872-T-A. GRCh37 (hg19) VCF-style: chr19-46915129-T-A.
Other names: short protein forms E313D.
Identifiers: ClinVar variation 2798011 (VCV002798011.3), dbSNP rs375348245, ClinGen allele CA406460587.
Genomic context (GRCh38, chr19:46,411,872, plus strand): 5'-ATCTGCAGCCTCTGCCCCCTGGTCAGCTGGGGCCCCTGCCCTCTGATTACCTGCAGCCCC[T>A]TCCCGCTGGTCAGCTATGGCCTCTTCCCTTTGACTATCTGCAGCCTCTCCCCCCTGATCA-3'
Protein context (NP_114429.2, residues 303-323): QREEAIADQR[Glu313Asp]GAAGNQRAGA

ClinVar aggregate classification (germline): Uncertain significance (1 of 4 stars; one submission).

Submission:

Labcorp Genetics (formerly Invitae), Labcorp
Classification: Uncertain significance. Last evaluated: 2025-05-27. Review status: criteria provided, single submitter. Criteria: Invitae Variant Classification Sherloc (09022015). Collection method: clinical testing. Allele origin: germline.
Comment: This sequence change replaces glutamic acid, which is acidic and polar, with aspartic acid, which is acidic and polar, at codon 313 of the CCDC8 protein (p.Glu313Asp). This variant is not present in population databases (gnomAD no frequency). This variant has not been reported in the literature in individuals affected with CCDC8-related conditions. ClinVar contains an entry for this variant (Variation ID: 2798011). An algorithm developed to predict the effect of missense changes on protein structure and function (PolyPhen-2) suggests that this variant is likely to be tolerated. In summary, the available evidence is currently insufficient to determine the role of this variant in disease. Therefore, it has been classified as a Variant of Uncertain Significance.